The following is an entry in ClinVar:

NM_181552.4(CUX1):c.2986C>T (p.Arg996Ter)

Gene: CUX1 (cut like homeobox 1; plus strand). Cytogenetic location: 7q22.1.
Variant type: single nucleotide variant.
Coding change: c.2986C>T on transcript NM_181552.4 (MANE Select); coding-DNA position 2986, C replaced by T.
Protein change: p.Arg996Ter; replaces arginine 996 with a stop codon.
Molecular consequence: nonsense. On other transcripts: intron variant (5).
Genome position (GRCh38, 1-based): chr7:102,204,469, C>T. VCF-style: chr7-102204469-C-T. GRCh37 (hg19) VCF-style: chr7-101847749-C-T.
Other names: c.3019C>T, p.Arg1007Ter (NM_001202543.2); c.1255+8866C>T (NM_001913.5); c.1249+8866C>T (NM_181500.4); c.1117+8866C>T (NM_001202545.3); c.1207+8866C>T (NM_001202544.3); c.1138+8866C>T (NM_001202546.3); short protein forms R1007*, R996*.
Identifiers: ClinVar variation 1690336 (VCV001690336.2), dbSNP rs2132065095, ClinGen allele CA368687214.

ClinVar aggregate classification (germline): Likely pathogenic. Review status: criteria provided, single submitter (1 of 4 stars). 2 submissions from 2 submitters: Likely pathogenic (1). 1 of the submissions does not count toward it. Last evaluated 2023-08-23.

Conditions:
Global developmental delay with or without impaired intellectual development. Identifiers: MedGen C5193032, MONDO:0032680, OMIM 618330.

Allele frequency attached by ClinVar (database versions not stated): gnomAD exomes below 0.00001.
gnomAD v4.1: 1 of 1,613,826 alleles (0.000062%); highest among the groups gnomAD compares: Non-Finnish European, 0.000085%; no homozygotes.

Submissions (2):

ARUP Laboratories, Molecular Genetics and Genomics, ARUP Laboratories
Classification: Likely pathogenic for Global developmental delay with or without impaired intellectual development. Last evaluated: 2023-08-23. Review status: criteria provided, single submitter. Criteria: ARUP Molecular Germline Variant Investigation Process 2024. Collection method: clinical testing. Allele origin: germline.
Comment: The CUX1 c.3019C>T; p.Arg1007Ter variant, also known as NM_181552.4: c.2986C>T p.Arg996Ter, is reported as a 15% mosaic de novo variant in an individual with therapy resistant epileptic encephalopathy (Schobers 2022). This variant is also reported in ClinVar (Variation ID: 1690336).This variant is also absent from the Genome Aggregation Database (v2.1.1), indicating it is not a common polymorphism. This variant induces an early termination codon in exon 19 of 24 total exons and is predicted to result in a truncated protein or mRNA subject to nonsense-mediated decay. Other loss-of-function variants downstream (e.g. p.Ala1067Cysfs*3, p.Leu1262Argfs*10) have been reported in individuals presenting with speech and motor development delay with/without mild-moderate intellectual disability (Platzer 2018); in one of these families the variant was inherited from a mildly affected parent. Based on available information, the p.Arg1007Ter variant is considered to be likely pathogenic. References: Platzer K et al. Haploinsufficiency of CUX1 Causes Nonsyndromic Global Developmental Delay With Possible Catch-up Development. Ann Neurol. 2018 Aug;84(2):200-207. PMID: 30014507. Schobers G et al. Reanalysis of exome negative patients with rare disease: a pragmatic workflow for diagnostic applications. Genome Med. 2022 Jun 17;14(1):66. PMID: 35710456.

Joint Genome Diagnostic Labs from Nijmegen and Maastricht, Radboudumc and MUMC+
Classification: Pathogenic. Review status: no assertion criteria provided. Collection method: clinical testing. Allele origin: germline. Affected: yes. Not counted in ClinVar's aggregate classification.